The following is an entry in ClinVar:

ClinVar aggregate classification (germline): Benign (1 of 4 stars; one submission).

Conditions:
MAPT-Related Spectrum Disorders.

Allele frequency attached by ClinVar (database versions not stated): 1000 Genomes Project 0.00120; 1000 Genomes Project 30x 0.00141; TOPMed 0.00179; gnomAD 0.00186 and 0.00192.

Submission:

Illumina Laboratory Services, Illumina
Classification: Benign for MAPT-Related Spectrum Disorders. Last evaluated: 2018-01-12. Review status: criteria provided, single submitter. Criteria: ICSL Variant Classification Criteria 13 December 2019. Collection method: clinical testing. Allele origin: germline.
Comment: This variant was observed in the ICSL laboratory as part of a predisposition screen in an ostensibly healthy population. It had not been previously curated by ICSL or reported in the Human Gene Mutation Database (HGMD: prior to June 1st, 2018), and was therefore a candidate for classification through an automated scoring system. Utilizing variant allele frequency, disease prevalence and penetrance estimates, and inheritance mode, an automated score was calculated to assess if this variant is too frequent to cause the disease. Based on the score and internal cut-off values, a variant classified as benign is not then subjected to further curation. The score for this variant resulted in a classification of benign for this disease.

NM_001377265.1(MAPT):c.*3951G>A

Gene: MAPT (microtubule associated protein tau). Cytogenetic location: 17q21.31.
Variant type: single nucleotide variant.
Coding change: c.*3951G>A on transcript NM_001377265.1 (MANE Select); 3951 bases downstream of the stop codon, G replaced by A.
Molecular consequence: 3 prime UTR variant. On other transcripts: non-coding transcript variant (1).
Genome position (GRCh38, 1-based): chr17:46,028,122, G>A. VCF-style: chr17-46028122-G-A. GRCh37 (hg19) VCF-style: chr17-44105488-G-A.
Other names: c.*3951G>A (NM_001123066.4, NM_001123067.4, NM_001203251.2 and 7 more transcripts); c.*2934G>A (NM_001377267.1).
Identifiers: ClinVar variation 891698 (VCV000891698.4), dbSNP rs368485438, ClinGen allele CA291121332.
Genomic context (GRCh38, chr17:46,028,122, plus strand): 5'-TGAAAAGGGTTACCCTGGGCACTGGCCTAGAGCCTCACCTCCTAATAGACTTAGCCCCAT[G>A]AGTTTGCCATGTTGAGCAGGACTATTTCTGGCACTTGCAAGTCCCATGATTTCTTCGGTA-3'